The following is an entry in ClinVar:

NM_015331.3(NCSTN):c.-6G>C

Gene: NCSTN (nicastrin; plus strand). Cytogenetic location: 1q23.2.
Variant type: single nucleotide variant.
Coding change: c.-6G>C on transcript NM_015331.3 (MANE Select); 6 bases upstream of the start codon, G replaced by C.
Molecular consequence: 5 prime UTR variant.
Genome position (GRCh38, 1-based): chr1:160,343,391, G>C. VCF-style: chr1-160343391-G-C. GRCh37 (hg19) VCF-style: chr1-160313181-G-C.
Other names: c.-205G>C (NM_001290184.2); c.-6G>C (NM_001290186.2, NM_001349729.2).
Identifiers: ClinVar variation 3053459 (VCV003053459.2), dbSNP rs375009212, ClinGen allele CA1198534.
Genomic context (GRCh38, chr1:160,343,391, plus strand): 5'-GGTAGCCTAGAGAGGCCGCTAACAGACAGGAGCCGAACGGGGGCTTCCGCTCAGCAGAGA[G>C]GCAAGATGGCTACGGCAGGGGGTGGCTCTGGGGCTGACCCGGGAAGTCGGGGTCTCCTTC-3'

ClinVar aggregate classification (germline): Likely benign (0 of 4 stars; one submission).

Conditions:
NCSTN-related disorder. Also called: NCSTN-related condition.

Allele frequency attached by ClinVar (database versions not stated): ExAC 0.00003; ESP Exome Variant Server 0.00015.
gnomAD v4.1: 20 of 1,613,004 alleles (0.0012%); highest among the groups gnomAD compares: Admixed American, 0.0033%; no homozygotes.

Submission:

PreventionGenetics, part of Exact Sciences
Classification: Likely benign for NCSTN-related condition. Last evaluated: 2019-09-06. Review status: no assertion criteria provided. Collection method: clinical testing. Allele origin: germline.
Comment: This variant is classified as likely benign based on ACMG/AMP sequence variant interpretation guidelines (Richards et al. 2015 PMID: 25741868, with internal and published modifications).